The following is an entry in ClinVar:

NM_024740.2(ALG9):c.701+1G>A

Gene: ALG9 (ALG9 alpha-1,2-mannosyltransferase; minus strand). Cytogenetic location: 11q23.1.
Variant type: single nucleotide variant.
Coding change: c.701+1G>A on transcript NM_024740.2 (MANE Select); the canonical splice donor site of the intron after coding-DNA position 701, G replaced by A.
Molecular consequence: splice donor variant.
Genome position (GRCh38, 1-based): chr11:111,857,601, C>T on the plus strand (G>A on the coding strand, the complement: ALG9 is on the minus strand). VCF-style: chr11-111857601-C-T. GRCh37 (hg19) VCF-style: chr11-111728324-C-T.
Other names: c.188+1G>A (NM_001352409.1, NM_001352410.1, NM_001352413.1 and 11 more transcripts); c.701+1G>A (NM_001352418.1, NM_001352417.1, NM_001077690.1); c.113+1G>A (NM_001352422.2).
Identifiers: ClinVar variation 1179143 (VCV001179143.2), dbSNP rs2137107185, ClinGen allele CA382606894.
Genomic context (GRCh38, chr11:111,857,601, plus strand): 5'-CCAACATTAAGATTTACTATATGCCCAGCGATATATGGGAGGAGAACTGTTAGTTTCTTA[C>T]CCAAGAGCTGCACTGAATGGCCAGCCTAAGATAGCCCCAGCTGCTACTCCCAGCACAGCA-3'

ClinVar aggregate classification (germline): Likely pathogenic (1 of 4 stars; one submission).

Conditions:
ALG9 congenital disorder of glycosylation (CDG1L). Also called: CONGENITAL DISORDER OF GLYCOSYLATION, TYPE Il; ALG9-CDG; CDG Il. Identifiers: Orphanet 79328, MedGen C2931006, MONDO:0012117, OMIM 608776.
Gillessen-Kaesbach-Nishimura syndrome (GIKANIS). Identifiers: MedGen C1849762, MONDO:0009890, OMIM 263210.

Submission:

Fulgent Genetics
Classification: Likely pathogenic for Gillessen-Kaesbach-Nishimura syndrome; ALG9 congenital disorder of glycosylation. Last evaluated: 2021-06-30. Review status: criteria provided, single submitter. Criteria: ACMG Guidelines, 2015. Collection method: clinical testing. Allele origin: unknown.
Comment: This variant has been detected in individual(s) who were sent for testing of Renasight - kidney gene panel.